The following is an entry in ClinVar:

NM_000501.4(ELN):c.205G>C (p.Gly69Arg)

Gene: ELN (elastin; plus strand). Cytogenetic location: 7q11.23.
Variant type: single nucleotide variant.
Coding change: c.205G>C on transcript NM_000501.4 (MANE Select); coding-DNA position 205, G replaced by C.
Protein change: p.Gly69Arg; replaces glycine 69 with arginine.
Molecular consequence: missense variant. On other transcripts: intron variant (1).
Genome position (GRCh38, 1-based): chr7:74,041,224, G>C. VCF-style: chr7-74041224-G-C. GRCh37 (hg19) VCF-style: chr7-73455554-G-C.
Other names: c.175G>C, p.Gly59Arg (NM_001081752.3, NM_001278914.2, NM_001278917.2 and 1 more transcripts); c.205G>C, p.Gly69Arg (NM_001081753.3, NM_001081754.3, NM_001081755.3 and 4 more transcripts); c.197-1390G>C (NM_001278913.2); short protein forms G59R, G69R.
Identifiers: ClinVar variation 2862193 (VCV002862193.3), dbSNP rs2485063913, ClinGen allele CA367869084.

ClinVar aggregate classification (germline): Uncertain significance (1 of 4 stars; one submission).

Conditions:
Supravalvar aortic stenosis (SVAS). Also called: Supravalvar aortic stenosis, Eisenberg type. Identifiers: Orphanet 3193, MedGen C0003499, MONDO:0008504, OMIM 185500, HP:0004381.

Allele frequency attached by ClinVar (database versions not stated): gnomAD exomes below 0.00001.
gnomAD v4.1: 1 of 1,614,032 alleles (0.000062%); highest among the groups gnomAD compares: Non-Finnish European, 0.000085%; no homozygotes.

Submission:

Labcorp Genetics (formerly Invitae), Labcorp
Classification: Uncertain significance for Supravalvar aortic stenosis. Last evaluated: 2023-05-05. Review status: criteria provided, single submitter. Criteria: Invitae Variant Classification Sherloc (09022015). Collection method: clinical testing. Allele origin: germline.
Comment: In summary, the available evidence is currently insufficient to determine the role of this variant in disease. Therefore, it has been classified as a Variant of Uncertain Significance. Advanced modeling of protein sequence and biophysical properties (such as structural, functional, and spatial information, amino acid conservation, physicochemical variation, residue mobility, and thermodynamic stability) performed at Invitae indicates that this missense variant is not expected to disrupt ELN protein function. This variant has not been reported in the literature in individuals affected with ELN-related conditions. This variant is not present in population databases (gnomAD no frequency). This sequence change replaces glycine, which is neutral and non-polar, with arginine, which is basic and polar, at codon 69 of the ELN protein (p.Gly69Arg).